The following is an entry in ClinVar:

NM_000288.4(PEX7):c.395C>G (p.Ser132Ter)

Gene: PEX7 (peroxisomal biogenesis factor 7; plus strand). Cytogenetic location: 6q23.3.
Variant type: single nucleotide variant.
Coding change: c.395C>G on transcript NM_000288.4 (MANE Select); coding-DNA position 395, C replaced by G.
Protein change: p.Ser132Ter; replaces serine 132 with a stop codon.
Molecular consequence: nonsense.
Genome position (GRCh38, 1-based): chr6:136,845,670, C>G. VCF-style: chr6-136845670-C-G. GRCh37 (hg19) VCF-style: chr6-137166808-C-G.
Other names: c.281C>G, p.Ser94Ter (NM_001410945.1); short protein forms S132*, S94*.
Identifiers: ClinVar variation 5012594 (VCV005012594.1).

ClinVar aggregate classification (germline): Pathogenic (1 of 4 stars; one submission).

Conditions:
Peroxisome biogenesis disorder. Identifiers: Orphanet 79189, MedGen C1832200, MONDO:0019234. Disease mechanism: loss of function.

Submission:

Myriad Genetics, Inc.
Classification: Pathogenic for Peroxisome biogenesis disorder. Last evaluated: 2023-12-20. Review status: criteria provided, single submitter. Criteria: Myriad Autosomal Dominant, Autosomal Recessive and X-Linked Classification Criteria (2023). Collection method: clinical testing. Allele origin: unknown.
Comment: NM_000288.3(PEX7):c.395C>G(S132*) is expected to be pathogenic in the context of PEX7-related disorders. This variant is predicted to lead to an abnormal or absent protein product due to the creation of a premature termination codon in PEX7, a gene where loss-of-function variants are known to be pathogenic. Please note: this variant was assessed in the context of healthy population screening.